The following is an entry in ClinVar:

NM_170665.4(ATP2A2):c.544+1G>A

Gene: ATP2A2 (ATPase sarcoplasmic/endoplasmic reticulum Ca2+ transporting 2; plus strand). Cytogenetic location: 12q24.11.
Variant type: single nucleotide variant.
Coding change: c.544+1G>A on transcript NM_170665.4 (MANE Select); the canonical splice donor site of the intron after coding-DNA position 544, G replaced by A.
Molecular consequence: splice donor variant.
Genome position (GRCh38, 1-based): chr12:110,323,073, G>A. VCF-style: chr12-110323073-G-A. GRCh37 (hg19) VCF-style: chr12-110760878-G-A.
Other names: IVS6DS, G-A, +1; c.169+1G>A (NM_001413015.1); c.544+1G>A (NM_001413014.1, NM_001681.4); c.439+1G>A (NM_001413013.1).
Identifiers: ClinVar variation 17791 (VCV000017791.3), dbSNP rs1592839705, ClinGen allele CA386664743.

ClinVar aggregate classification (germline): Likely pathogenic. Review status: criteria provided, single submitter (1 of 4 stars). 2 submissions from 2 submitters: Likely pathogenic (1). 1 of the submissions does not count toward it. Last evaluated 2024-09-25.

Conditions:
Keratosis follicularis (DAR). Also called: Darier disease; Darier's disease. Identifiers: Orphanet 218, MedGen C0022595, MONDO:0007417, OMIM 124200.

Submissions (2):

GeneDx
Classification: Likely pathogenic. Last evaluated: 2024-09-25. Review status: criteria provided, single submitter. Criteria: GeneDx Variant Classification Process June 2021. Collection method: clinical testing. Allele origin: germline. Affected: yes.
Comment: Identified in patients with a clinical diagnosis of Darier disease referred for genetic testing at GeneDx and in published literature (PMID: 10080178); Canonical splice site variant predicted to result in an in-frame loss of the adjacent exon in a gene for which loss of function is a known mechanism of disease; Not observed at significant frequency in large population cohorts (gnomAD); This variant is associated with the following publications: (PMID: 25525159, 10080178)

OMIM
Classification: Pathogenic for DARIER DISEASE. Last evaluated: 1999-03-01. Review status: no assertion criteria provided. Collection method: literature only. Allele origin: germline. Not counted in ClinVar's aggregate classification.

Literature cited by the submitters: PubMed 10080178 (cited by OMIM).